The following is an entry in ClinVar:

NM_032961.3(PCDH10):c.2411T>C (p.Ile804Thr)

Gene: PCDH10 (protocadherin 10; plus strand). Cytogenetic location: 4q28.3.
Variant type: single nucleotide variant.
Coding change: c.2411T>C on transcript NM_032961.3 (MANE Select); coding-DNA position 2411, T replaced by C.
Protein change: p.Ile804Thr; replaces isoleucine 804 with threonine.
Molecular consequence: missense variant.
Genome position (GRCh38, 1-based): chr4:133,152,551, T>C. VCF-style: chr4-133152551-T-C. GRCh37 (hg19) VCF-style: chr4-134073706-T-C.
Other names: c.2411T>C, p.Ile804Thr (NM_020815.3); short protein forms I804T.
Identifiers: ClinVar variation 774617 (VCV000774617.29), dbSNP rs115671631, ClinGen allele CA3080788.

ClinVar aggregate classification (germline): Likely benign. Review status: criteria provided, multiple submitters, no conflicts (2 of 4 stars). 3 submissions from 3 submitters: Likely benign (3). Last evaluated 2022-07-01.

Allele frequency attached by ClinVar (database versions not stated): gnomAD 0.00238 and 0.00251; TOPMed 0.00250; gnomAD exomes 0.00285 and 0.00292; ExAC 0.00306; ESP Exome Variant Server 0.00323; 1000 Genomes Project 30x 0.00328; 1000 Genomes Project 0.00359.
gnomAD v4.1: 4,657 of 1,614,100 alleles (0.29%); highest among the groups gnomAD compares: Middle Eastern, 0.97%; 18 homozygotes.

Submissions (3):

CeGaT Center for Human Genetics Tuebingen
Classification: Likely benign. Last evaluated: 2022-07-01. Review status: criteria provided, single submitter. Criteria: CeGaT Center For Human Genetics Tuebingen Variant Classification Criteria Version 2. Collection method: clinical testing. Allele origin: germline. Affected: yes. Observed: 1 variant allele.
Comment: PCDH10: BP4

Labcorp Genetics (formerly Invitae), Labcorp
Classification: Likely benign. Last evaluated: 2019-12-31. Review status: criteria provided, single submitter. Criteria: Invitae Variant Classification Sherloc (09022015). Collection method: clinical testing. Allele origin: germline.

Breakthrough Genomics
Classification: Likely benign. Review status: criteria provided, single submitter. Criteria: ACMG Guidelines, 2015. Collection method: not provided. Allele origin: germline. Inheritance: Unknown mechanism. Affected: yes.